The following is an entry in ClinVar:

NM_001205293.3(CACNA1E):c.1202_1203del (p.Asn401fs)

Gene: CACNA1E (calcium voltage-gated channel subunit alpha1 E; plus strand). Cytogenetic location: 1q25.3.
Variant type: Deletion.
Coding change: c.1202_1203del on transcript NM_001205293.3 (MANE Select); coding-DNA positions 1202 to 1203, 2 bases deleted (AT; older notation c.1202_1203delAT).
Protein change: p.Asn401fs; shifts the reading frame from asparagine 401.
Molecular consequence: frameshift variant.
Genome position (GRCh38, 1-based): chr1:181,715,368-181,715,369, AT deleted. VCF-style (leftmost placement, unchanged base first): chr1-181715367-AAT-A. GRCh37 (hg19) VCF-style: chr1-181684503-AAT-A.
Other names: c.1202_1203del, p.Asn401fs (NM_000721.4, NM_001205294.2); short protein forms N401fs.
Identifiers: ClinVar variation 3363559 (VCV003363559.2).

ClinVar aggregate classification (germline): Uncertain significance (1 of 4 stars; one submission).

Submission:

GeneDx
Classification: Uncertain significance. Last evaluated: 2026-02-08. Review status: criteria provided, single submitter. Criteria: GeneDx Variant Classification Process June 2021. Collection method: clinical testing. Allele origin: germline.
Comment: Not observed at significant frequency in large population cohorts (gnomAD); Frameshift variant predicted to result in protein truncation or nonsense mediated decay in a gene or region of a gene for which loss of function is not a well-established mechanism of disease; Has not been previously published as pathogenic or benign to our knowledge